The following is an entry in ClinVar:

NM_020376.4(PNPLA2):c.1150A>G (p.Lys384Glu)

Gene: PNPLA2 (patatin like domain 2, triacylglycerol lipase; plus strand). Cytogenetic location: 11p15.5.
Variant type: single nucleotide variant.
Coding change: c.1150A>G on transcript NM_020376.4 (MANE Select); coding-DNA position 1150, A replaced by G.
Protein change: p.Lys384Glu; replaces lysine 384 with glutamic acid.
Molecular consequence: missense variant.
Genome position (GRCh38, 1-based): chr11:824,411, A>G. VCF-style: chr11-824411-A-G. GRCh37 (hg19) VCF-style: chr11-824411-A-G.
Other names: short protein forms K384E.
Identifiers: ClinVar variation 534190 (VCV000534190.11), dbSNP rs1385840827, ClinGen allele CA378984111.

ClinVar aggregate classification (germline): Uncertain significance. Review status: criteria provided, multiple submitters, no conflicts (2 of 4 stars). 2 submissions from 2 submitters: Uncertain significance (2). Last evaluated 2024-11-12.

Conditions:
Neutral lipid storage myopathy (NLSDM). Also called: NEUTRAL LIPID STORAGE DISEASE WITHOUT ICHTHYOSIS. Identifiers: Orphanet 98908, MedGen C1853136, MONDO:0012545, OMIM 610717.

gnomAD v4.1: 11 of 1,554,810 alleles (0.00071%); highest among the groups gnomAD compares: Non-Finnish European, 0.00061%; no homozygotes.

Submissions (2):

Revvity Omics, Revvity
Classification: Uncertain significance for Neutral lipid storage myopathy. Last evaluated: 2024-11-12. Review status: criteria provided, single submitter. Criteria: ACMG Guidelines, 2015. Collection method: clinical testing. Allele origin: germline.

Labcorp Genetics (formerly Invitae), Labcorp
Classification: Uncertain significance for Neutral lipid storage myopathy. Last evaluated: 2022-07-12. Review status: criteria provided, single submitter. Criteria: Invitae Variant Classification Sherloc (09022015). Collection method: clinical testing. Allele origin: germline.
Comment: ClinVar contains an entry for this variant (Variation ID: 534190). This variant has not been reported in the literature in individuals affected with PNPLA2-related conditions. This variant is present in population databases (no rsID available, gnomAD 0.002%). This sequence change replaces lysine, which is basic and polar, with glutamic acid, which is acidic and polar, at codon 384 of the PNPLA2 protein (p.Lys384Glu). Algorithms developed to predict the effect of missense changes on protein structure and function (SIFT, PolyPhen-2, Align-GVGD) all suggest that this variant is likely to be tolerated. In summary, the available evidence is currently insufficient to determine the role of this variant in disease. Therefore, it has been classified as a Variant of Uncertain Significance.